The following is an entry in ClinVar:

ClinVar aggregate classification (germline): Uncertain significance (1 of 4 stars; one submission).

gnomAD v4.1: 6 of 1,607,012 alleles (0.00037%); highest among the groups gnomAD compares: East Asian, 0.0023%; no homozygotes.

Submission:

Labcorp Genetics (formerly Invitae), Labcorp
Classification: Uncertain significance. Last evaluated: 2026-01-07. Review status: criteria provided, single submitter. Criteria: Invitae Variant Classification Sherloc (09022015). Collection method: clinical testing. Allele origin: germline.
Comment: This sequence change replaces asparagine, which is neutral and polar, with serine, which is neutral and polar, at codon 974 of the ANK3 protein (p.Asn974Ser). This variant is present in population databases (rs770063604, gnomAD 0.006%). This variant has not been reported in the literature in individuals affected with ANK3-related conditions. Invitae Evidence Modeling of protein sequence and biophysical properties (such as structural, functional, and spatial information, amino acid conservation, physicochemical variation, residue mobility, and thermodynamic stability) indicates that this missense variant is not expected to disrupt ANK3 protein function with a negative predictive value of 80%. In summary, the available evidence is currently insufficient to determine the role of this variant in disease. Therefore, it has been classified as a Variant of Uncertain Significance.

NM_020987.5(ANK3):c.2921A>G (p.Asn974Ser)

Gene: ANK3 (ankyrin 3; minus strand). Cytogenetic location: 10q21.2.
Variant type: single nucleotide variant.
Coding change: c.2921A>G on transcript NM_020987.5 (MANE Select); coding-DNA position 2921, A replaced by G.
Protein change: p.Asn974Ser; replaces asparagine 974 with serine.
Molecular consequence: missense variant.
Genome position (GRCh38, 1-based): chr10:60,114,252, T>C on the plus strand (A>G on the coding strand, the complement: ANK3 is on the minus strand). VCF-style: chr10-60114252-T-C. GRCh37 (hg19) VCF-style: chr10-61874010-T-C.
Other names: c.2903A>G, p.Asn968Ser (NM_001204403.2); c.2924A>G, p.Asn975Ser (NM_001204404.2); c.2921A>G, p.Asn974Ser (NM_001320874.2); c.323A>G, p.Asn108Ser (NM_001149.4); short protein forms N968S, N108S, N974S, N975S.
Identifiers: ClinVar variation 4765700 (VCV004765700.1).